The following is an entry in ClinVar:

ClinVar aggregate classification (germline): Benign. Review status: criteria provided, multiple submitters, no conflicts (2 of 4 stars). 3 submissions from 3 submitters: Benign (3). Last evaluated 2024-07-15.

Allele frequency attached by ClinVar (database versions not stated): gnomAD 0.08264 and 0.09409; TOPMed 0.09288; gnomAD exomes 0.10012; 1000 Genomes Project 30x 0.18723; 1000 Genomes Project 0.19369.
gnomAD v4.1: 151,471 of 1,515,402 alleles (10%); highest among the groups gnomAD compares: East Asian, 44%; 12,126 homozygotes.

Submissions (3):

Unidad de Genómica Garrahan, Hospital de Pediatría Garrahan
Classification: Benign. Last evaluated: 2024-07-15. Review status: criteria provided, single submitter. Criteria: ACMG Guidelines, 2015. Collection method: clinical testing. Allele origin: germline. Affected: no. Observed: 23 variant alleles.
Comment: This variant is classified as Benign based on local population frequency. This variant was detected in 25% of patients studied in a panel designed for Epileptic and Developmental Encephalopathy and Progressive Myoclonus Epilepsy. Number of patients: 23. Only high quality variants are reported.

GeneDx
Classification: Benign. Last evaluated: 2018-11-12. Review status: criteria provided, single submitter. Criteria: GeneDx Variant Classification Process June 2021. Collection method: clinical testing. Allele origin: germline. Affected: yes.

Breakthrough Genomics
Classification: Benign. Review status: criteria provided, single submitter. Criteria: ACMG Guidelines, 2015. Collection method: not provided. Allele origin: germline. Inheritance: Autosomal dominant inheritance. Affected: yes.

NM_004621.6(TRPC6):c.170+70G>A

Gene: TRPC6 (transient receptor potential cation channel subfamily C member 6; minus strand). Cytogenetic location: 11q22.1.
Variant type: single nucleotide variant.
Coding change: c.170+70G>A on transcript NM_004621.6 (MANE Select); 70 bases into the intron after coding-DNA position 170, G replaced by A.
Molecular consequence: intron variant.
Genome position (GRCh38, 1-based): chr11:101,583,264, C>T on the plus strand (G>A on the coding strand, the complement: TRPC6 is on the minus strand). VCF-style: chr11-101583264-C-T. GRCh37 (hg19) VCF-style: chr11-101453995-C-T.
Identifiers: ClinVar variation 1231692 (VCV001231692.6), dbSNP rs17096918, ClinGen allele CA13468638.